The following is an entry in ClinVar:

NM_032776.3(JMJD1C):c.4396GTT[3] (p.Val1467_Gln1468insVal)

Gene: JMJD1C (jumonji domain containing 1C; minus strand). Cytogenetic location: 10q21.3.
Variant type: Microsatellite.
Coding change: c.4396GTT[3] on transcript NM_032776.3 (MANE Select); three copies in a row of the 3-base unit GTT starting at c.4396; the reference has two copies in a row; one copy, 3 bases duplicated.
Protein change: p.Val1467_Gln1468insVal.
Molecular consequence: inframe insertion. On other transcripts: non-coding transcript variant (1).
Genome position (GRCh38, 1-based): chr10:63,207,268-63,207,270, AAC duplicated on the plus strand (GTT on the coding strand, the reverse complement: JMJD1C is on the minus strand); duplicating any 3 consecutive bases within chr10:63,207,268-63,207,274 gives the same sequence; the position shown is the placement nearest the transcript's 3' end. VCF-style (leftmost placement, unchanged base first): chr10-63207267-G-GAAC. GRCh37 (hg19) VCF-style: chr10-64967027-G-GAAC.
Other names: c.3850GTT[3], p.Val1285_Gln1286insVal (NM_001282948.2, NM_001318154.2); c.3532GTT[3], p.Val1179_Gln1180insVal (NM_001318153.2); c.4282GTT[3], p.Val1429_Gln1430insVal (NM_001322252.2); c.3739GTT[3], p.Val1248_Gln1249insVal (NM_001322254.2, NM_001322258.2).
Identifiers: ClinVar variation 2712230 (VCV002712230.3), dbSNP rs1554836493, ClinGen allele CA1914896320.

ClinVar aggregate classification (germline): Uncertain significance (1 of 4 stars; one submission).

Conditions:
Early Myoclonic Encephalopathy. Identifiers: MedGen C0270855.

Submission:

Labcorp Genetics (formerly Invitae), Labcorp
Classification: Uncertain significance for Early Myoclonic Encephalopathy. Last evaluated: 2024-01-16. Review status: criteria provided, single submitter. Criteria: Invitae Variant Classification Sherloc (09022015). Collection method: clinical testing. Allele origin: germline.
Comment: This variant, c.4399_4401dup, results in the insertion of 1 amino acid(s) of the JMJD1C protein (p.Val1467dup), but otherwise preserves the integrity of the reading frame. This variant is not present in population databases (gnomAD no frequency). This variant has not been reported in the literature in individuals affected with JMJD1C-related conditions. In summary, the available evidence is currently insufficient to determine the role of this variant in disease. Therefore, it has been classified as a Variant of Uncertain Significance.